The following is an entry in ClinVar:

ClinVar aggregate classification (germline): Likely benign. Review status: criteria provided, multiple submitters, no conflicts (2 of 4 stars). 4 submissions from 4 submitters: Likely benign (4). Last evaluated 2026-09-25.

Conditions:
Cardiovascular phenotype. Identifiers: MedGen CN230736.
ALPK3-related disorder. Also called: ALPK3-related condition.

Allele frequency attached by ClinVar (database versions not stated): ExAC 0.00002; gnomAD 0.00003; TOPMed 0.00004.
gnomAD v4.1: 22 of 1,612,020 alleles (0.0014%); highest among the groups gnomAD compares: African/African-American, 0.0067%; no homozygotes.

Submissions (4):

PreventionGenetics, part of Exact Sciences
Classification: Likely benign for ALPK3-related condition. Last evaluated: 2026-09-25. Review status: criteria provided, single submitter. Criteria: ACMG Guidelines, 2015. Collection method: clinical testing. Allele origin: germline.
Comment: This variant is classified as likely benign based on ACMG/AMP sequence variant interpretation guidelines (Richards et al. 2015 PMID: 25741868, with internal and published modifications).

Molecular Diagnostic Laboratory for Inherited Cardiovascular Disease, Montreal Heart Institute
Classification: Likely benign. Last evaluated: 2026-03-27. Review status: criteria provided, single submitter. Criteria: ACMG Guidelines, 2015. Collection method: clinical testing. Allele origin: germline. Affected: no.

Labcorp Genetics (formerly Invitae), Labcorp
Classification: Likely benign. Last evaluated: 2025-09-17. Review status: criteria provided, single submitter. Criteria: Invitae Variant Classification Sherloc (09022015). Collection method: clinical testing. Allele origin: germline.

Ambry Genetics
Classification: Likely benign for Cardiovascular phenotype. Last evaluated: 2019-03-19. Review status: criteria provided, single submitter. Criteria: Ambry Variant Classification Scheme 2023. Collection method: clinical testing. Allele origin: germline.

NM_020778.5(ALPK3):c.3123C>T (p.Thr1041=)

Gene: ALPK3 (alpha kinase 3; plus strand). Cytogenetic location: 15q25.3.
Variant type: single nucleotide variant.
Coding change: c.3123C>T on transcript NM_020778.5 (MANE Select); coding-DNA position 3123, C replaced by T.
Protein change: p.Thr1041=; no amino-acid change (threonine 1041 retained).
Molecular consequence: synonymous variant.
Genome position (GRCh38, 1-based): chr15:84,857,861, C>T. VCF-style: chr15-84857861-C-T. GRCh37 (hg19) VCF-style: chr15-85401092-C-T.
Identifiers: ClinVar variation 1734351 (VCV001734351.9), dbSNP rs114823113, ClinGen allele CA7709559.